The following is an entry in ClinVar:

NM_006206.6(PDGFRA):c.1055A>G (p.Asn352Ser)

Gene: PDGFRA (platelet derived growth factor receptor alpha; plus strand). Cytogenetic location: 4q12.
Variant type: single nucleotide variant.
Coding change: c.1055A>G on transcript NM_006206.6 (MANE Select); coding-DNA position 1055, A replaced by G.
Protein change: p.Asn352Ser; replaces asparagine 352 with serine.
Molecular consequence: missense variant.
Genome position (GRCh38, 1-based): chr4:54,267,675, A>G. VCF-style: chr4-54267675-A-G. GRCh37 (hg19) VCF-style: chr4-55133842-A-G.
Other names: c.1055A>G, p.Asn352Ser (NM_001347827.2, NM_001347829.2); c.1130A>G, p.Asn377Ser (NM_001347828.2); c.1094A>G, p.Asn365Ser (NM_001347830.2); short protein forms N377S, N352S, N365S.
Identifiers: ClinVar variation 1525871 (VCV001525871.6), dbSNP rs2110267317, ClinGen allele CA356891698.
Genomic context (GRCh38, chr4:54,267,675, plus strand): 5'-TCAAACATTTTGTTGTAGAGGTGCGGGCCTACCCACCTCCCAGGATATCCTGGCTGAAAA[A>G]CAATCTGACTCTGATTGAAAATCTCACTGAGATCACCACTGATGTGGAAAAGATTCAGGA-3'
Protein context (NP_006197.1, residues 342-362): YPPPRISWLK[Asn352Ser]NLTLIENLTE

ClinVar aggregate classification (germline): Uncertain significance (1 of 4 stars; one submission).

Conditions:
Gastrointestinal stromal tumor. Also called: Gastrointestinal stromal tumor, somatic; Gastrointestinal stroma tumor. Identifiers: Orphanet 44890, MedGen C0238198, MeSH D046152, MONDO:0011719, OMIM 606764, HP:0100723.

Allele frequency attached by ClinVar (database versions not stated): gnomAD exomes below 0.00001.
gnomAD v4.1: 2 of 1,614,064 alleles (0.00012%); highest among the groups gnomAD compares: Non-Finnish European, 0.000085%; no homozygotes.

Submission:

Labcorp Genetics (formerly Invitae), Labcorp
Classification: Uncertain significance for Gastrointestinal stromal tumor. Last evaluated: 2021-10-15. Review status: criteria provided, single submitter. Criteria: Invitae Variant Classification Sherloc (09022015). Collection method: clinical testing. Allele origin: germline.
Comment: In summary, the available evidence is currently insufficient to determine the role of this variant in disease. Therefore, it has been classified as a Variant of Uncertain Significance. Algorithms developed to predict the effect of missense changes on protein structure and function (SIFT, PolyPhen-2, Align-GVGD) all suggest that this variant is likely to be tolerated. This variant has not been reported in the literature in individuals affected with PDGFRA-related conditions. This variant is not present in population databases (ExAC no frequency). This sequence change replaces asparagine with serine at codon 352 of the PDGFRA protein (p.Asn352Ser). The asparagine residue is weakly conserved and there is a small physicochemical difference between asparagine and serine.